The following is an entry in ClinVar:

ClinVar aggregate classification (germline): Uncertain significance (1 of 4 stars; one submission).

Conditions:
Familial hemophagocytic lymphohistiocytosis 3 (FHL3). Also called: UNC13D-Related Familial Hemophagocytic Lymphohistiocytosis (UNC13D-fHLH). Identifiers: Orphanet 540, MedGen C1837174, MONDO:0012146, OMIM 608898.

Allele frequency attached by ClinVar (database versions not stated): TOPMed 0.00001.
gnomAD v4.1: 2 of 1,613,988 alleles (0.00012%); highest among the groups gnomAD compares: Admixed American, 0.0017%; no homozygotes.

Submission:

Labcorp Genetics (formerly Invitae), Labcorp
Classification: Uncertain significance for Familial hemophagocytic lymphohistiocytosis 3. Last evaluated: 2023-08-10. Review status: criteria provided, single submitter. Criteria: Invitae Variant Classification Sherloc (09022015). Collection method: clinical testing. Allele origin: germline.
Comment: In summary, the available evidence is currently insufficient to determine the role of this variant in disease. Therefore, it has been classified as a Variant of Uncertain Significance. Advanced modeling of protein sequence and biophysical properties (such as structural, functional, and spatial information, amino acid conservation, physicochemical variation, residue mobility, and thermodynamic stability) performed at Invitae indicates that this missense variant is not expected to disrupt UNC13D protein function. ClinVar contains an entry for this variant (Variation ID: 1910261). This variant has not been reported in the literature in individuals affected with UNC13D-related conditions. This variant is present in population databases (rs576796649, gnomAD 0.003%). This sequence change replaces proline, which is neutral and non-polar, with histidine, which is basic and polar, at codon 455 of the UNC13D protein (p.Pro455His).

NM_199242.3(UNC13D):c.1364C>A (p.Pro455His)

Gene: UNC13D (unc-13 homolog D; minus strand). Cytogenetic location: 17q25.1.
Variant type: single nucleotide variant.
Coding change: c.1364C>A on transcript NM_199242.3 (MANE Select); coding-DNA position 1364, C replaced by A.
Protein change: p.Pro455His; replaces proline 455 with histidine.
Molecular consequence: missense variant.
Genome position (GRCh38, 1-based): chr17:75,836,364, G>T on the plus strand (C>A on the coding strand, the complement: UNC13D is on the minus strand). VCF-style: chr17-75836364-G-T. GRCh37 (hg19) VCF-style: chr17-73832445-G-T.
Other names: short protein forms P455H.
Identifiers: ClinVar variation 1910261 (VCV001910261.5), dbSNP rs576796649, ClinGen allele CA8773015.